The following is an entry in ClinVar:

NM_001197104.2(KMT2A):c.2633G>A (p.Arg878Gln)

Gene: KMT2A (lysine methyltransferase 2A; plus strand). Cytogenetic location: 11q23.3.
Variant type: single nucleotide variant.
Coding change: c.2633G>A on transcript NM_001197104.2 (MANE Select); coding-DNA position 2633, G replaced by A.
Protein change: p.Arg878Gln; replaces arginine 878 with glutamine.
Molecular consequence: missense variant.
Genome position (GRCh38, 1-based): chr11:118,473,792, G>A. VCF-style: chr11-118473792-G-A. GRCh37 (hg19) VCF-style: chr11-118344507-G-A.
Other names: c.2633G>A, p.Arg878Gln (NM_005933.4); short protein forms R878Q.
Identifiers: ClinVar variation 242909 (VCV000242909.7), dbSNP rs879253756, ClinGen allele CA10584022.
Genomic context (GRCh38, chr11:118,473,792, plus strand): 5'-TGTCCAAAGATCGAGATGCTGACAAGAGCGTGGAGAAGGACAAGAGTAGAGAGAGAGACC[G>A]GGAGAGAGAAAAGGAGAATAAGCGGGAGTCAAGGAAAGAGAAAAGGAAAAAGGGATCAGA-3'
Protein context (NP_001184033.1, residues 868-888): VEKDKSRERD[Arg878Gln]EREKENKRES

ClinVar aggregate classification (germline): Conflicting classifications of pathogenicity. Review status: criteria provided, conflicting classifications (1 of 4 stars). 3 submissions from 3 submitters: Uncertain significance (2); Likely benign (1). Last evaluated 2025-10-23.

Conditions:
Language disorder. Also called: Language impairment; Disorder of language. Identifiers: MedGen C0023015, MONDO:0004750, HP:0002463.
Atypical behavior. Also called: Behavioral abnormality; Behavioral disorders. Identifiers: MedGen C0004941, HP:0000708.
Bilateral ptosis. Identifiers: MedGen C1865916, HP:0001488.
Neurodevelopmental delay. Identifiers: MedGen C4022738, HP:0012758.

Allele frequency attached by ClinVar (database versions not stated): gnomAD exomes 0.00001; TOPMed 0.00001; gnomAD 0.00001.
gnomAD v4.1: 5 of 1,613,834 alleles (0.00031%); highest among the groups gnomAD compares: East Asian, 0.0022%; no homozygotes.

Submissions (3):

Labcorp Genetics (formerly Invitae), Labcorp
Classification: Uncertain significance. Last evaluated: 2025-10-23. Review status: criteria provided, single submitter. Criteria: Invitae Variant Classification Sherloc (09022015). Collection method: clinical testing. Allele origin: germline.
Comment: This sequence change replaces arginine, which is basic and polar, with glutamine, which is neutral and polar, at codon 878 of the KMT2A protein (p.Arg878Gln). This variant is not present in population databases (gnomAD no frequency). This missense change has been observed in individual(s) with clinical features of KMT2A-related conditions (PMID: 27353043). ClinVar contains an entry for this variant (Variation ID: 242909). Invitae Evidence Modeling of protein sequence and biophysical properties (such as structural, functional, and spatial information, amino acid conservation, physicochemical variation, residue mobility, and thermodynamic stability) has been performed for this missense variant. However, the output from this modeling did not meet the statistical confidence thresholds required to predict the impact of this variant on KMT2A protein function. In summary, the available evidence is currently insufficient to determine the role of this variant in disease. Therefore, it has been classified as a Variant of Uncertain Significance.

Service de Biochimie Médicale et Biologie Moléculaire, CHU Clermont-Ferrand
Classification: Likely benign for Language disorder. Last evaluated: 2020-07-09. Review status: criteria provided, single submitter. Criteria: ACMG Guidelines, 2015. Collection method: clinical testing. Allele origin: maternal. Affected: yes. Observed: 1 heterozygote.
Comment: PM2 + PP3 + BS2 + BP1

Center of Genomic medicine, Geneva, University Hospital of Geneva
Classification: Uncertain significance for Neurodevelopmental delay; Atypical behavior; Bilateral ptosis. Last evaluated: 2015-04-13. Review status: criteria provided, single submitter. Criteria: ACMG Guidelines, 2015. Collection method: clinical testing. Allele origin: maternal. Affected: yes. Observed: 2 variant alleles. Study: Final Reports_Cases2015_1.

Literature cited by the submitters: PubMed 27353043 (cited by Labcorp Genetics (formerly Invitae), Labcorp).